The following is an entry in ClinVar:

NM_001080467.3(MYO5B):c.1744G>C (p.Ala582Pro)

Gene: MYO5B (myosin VB; minus strand). Cytogenetic location: 18q21.1.
Variant type: single nucleotide variant.
Coding change: c.1744G>C on transcript NM_001080467.3 (MANE Select); coding-DNA position 1744, G replaced by C.
Protein change: p.Ala582Pro; replaces alanine 582 with proline.
Molecular consequence: missense variant.
Genome position (GRCh38, 1-based): chr18:49,953,268, C>G on the plus strand (G>C on the coding strand, the complement: MYO5B is on the minus strand). VCF-style: chr18-49953268-C-G. GRCh37 (hg19) VCF-style: chr18-47479638-C-G.
Other names: short protein forms A582P.
Identifiers: ClinVar variation 3255323 (VCV003255323.1).

ClinVar aggregate classification (germline): Likely pathogenic (1 of 4 stars; one submission).

Conditions:
Congenital microvillous atrophy (DIAR2). Also called: CONGENITAL FAMILIAL PROTRACTED DIARRHEA WITH ENTEROCYTE BRUSH-BORDER ABNORMALITIES; DAVIDSON DISEASE; MICROVILLUS ATROPHY, CONGENITAL; Microvillus inclusion disease; Diarrhea 2 with microvillus atrophy, with or without cholestasis. Identifiers: Orphanet 2290, MedGen C0341306, MONDO:0009635, OMIM 251850.

Submission:

Aleixo Muise Laboratory, Hospital For Sick Children
Classification: Likely pathogenic for Congenital microvillous atrophy. Last evaluated: 2024-07-05. Review status: criteria provided, single submitter. Criteria: ACMG Guidelines, 2015. Collection method: research. Allele origin: inherited. Affected: yes. Observed: 1 variant allele.
Comment: PM2;PM3;PM5;PP3;PP4